The following is an entry in ClinVar:

ClinVar aggregate classification (germline): Likely pathogenic (3 of 4 stars; one submission).

Conditions:
Open-angle glaucoma. Identifiers: MedGen C0017612, MONDO:0005338, HP:0012108.

Submission:

ClinGen Glaucoma Variant Curation Expert Panel
Classification: Likely pathogenic for Open-angle glaucoma. Last evaluated: 2026-02-04. Review status: reviewed by expert panel. Criteria: ClinGen Glaucoma ACMG Specifications V2.0.0 Approved. Collection method: curation. Allele origin: germline. Inheritance: Autosomal dominant inheritance.
Comment: The c.1442C>T variant in MYOC is a missense variant predicted to cause substitution of Proline by Leucine at amino acid 481 (p.Pro481Leu). This variant was not found in any genetic ancestry group of gnomAD (v4.1.0), meeting the ≤ 0.0001 threshold set for PM2_Supporting in a genetic ancestry group of at least 10,000 alleles. The REVEL score = 0.72, which was within the 0.644-0.772 range for PP3, predicting a damaging effect on MYOC function. The Pro481Leu protein had increased instability and reduced secretion levels compared to wild type myocilin protein in these studies (PMIDs: 16466712, 21612213, 23129764). The assays met the OddsPath threshold for PS3_Moderate (> 4.3), indicating that this variant did impact protein function. 3 segregations in 1 family, with juvenile or primary open angle glaucoma (JOAG or POAG), have been reported (PMID: 12189160), which fulfilled PP1 (3-4 meioses). 2 probands with JOAG or POAG have been reported carrying this variant (PMIDs: 10196380, 12189160), which met PS4_Supporting (≥ 2 probands). In summary, this variant met the criteria to receive a score of 6 and to be classified as likely pathogenic (likely pathogenic classification range 6 to 9, adapted from PMID: 32720330) for juvenile open angle glaucoma based on the ACMG/AMP criteria met, as specified by the ClinGen Glaucoma VCEP (v2.0.0, 5 Dec 2024): PS3_Moderate, PP1, PP3, PS4_Supporting, PM2_Supporting.

Literature cited by the submitters: PubMed 21612213; PubMed 23129764; PubMed 25524706.

NM_000261.2(MYOC):c.1442C>T (p.Pro481Leu)

Gene: MYOC (myocilin; minus strand). Cytogenetic location: 1q24.3.
Variant type: single nucleotide variant.
Coding change: c.1442C>T on transcript NM_000261.2 (MANE Select); coding-DNA position 1442, C replaced by T.
Protein change: p.Pro481Leu; replaces proline 481 with leucine.
Molecular consequence: missense variant.
Genome position (GRCh38, 1-based): chr1:171,635,998, G>A on the plus strand (C>T on the coding strand, the complement: MYOC is on the minus strand). VCF-style: chr1-171635998-G-A. GRCh37 (hg19) VCF-style: chr1-171605138-G-A.
Other names: NM_000261.2:c.1442C>T; short protein forms P481L.
Identifiers: ClinVar variation 1686789 (VCV001686789.4), dbSNP rs2102944466, ClinGen allele CA343723135.